The following is an entry in ClinVar:

NM_006059.4(LAMC3):c.4446C>T (p.Ile1482=)

Gene: LAMC3 (laminin subunit gamma 3; plus strand). Cytogenetic location: 9q34.12.
Variant type: single nucleotide variant.
Coding change: c.4446C>T on transcript NM_006059.4 (MANE Select); coding-DNA position 4446, C replaced by T.
Protein change: p.Ile1482=; no amino-acid change (isoleucine 1482 retained).
Molecular consequence: synonymous variant.
Genome position (GRCh38, 1-based): chr9:131,087,786, C>T. VCF-style: chr9-131087786-C-T. GRCh37 (hg19) VCF-style: chr9-133963173-C-T.
Identifiers: ClinVar variation 388014 (VCV000388014.18), dbSNP rs200452667, ClinGen allele CA5288181.

ClinVar aggregate classification (germline): Likely benign. Review status: criteria provided, multiple submitters, no conflicts (2 of 4 stars). 6 submissions from 6 submitters: Likely benign (5). 1 of the submissions does not count toward it. Last evaluated 2026-05-01.

Conditions:
LAMC3-related disorder. Also called: LAMC3-related condition.

Allele frequency attached by ClinVar (database versions not stated): gnomAD 0.00006 and 0.00009; TOPMed 0.00011; ExAC 0.00012; gnomAD exomes 0.00015; 1000 Genomes Project 30x 0.00031; 1000 Genomes Project 0.00040.
gnomAD v4.1: 269 of 1,614,098 alleles (0.017%); highest among the groups gnomAD compares: Middle Eastern, 0.23%; no homozygotes.

Submissions (6):

CeGaT Center for Human Genetics Tuebingen
Classification: Likely benign. Last evaluated: 2026-05-01. Review status: criteria provided, single submitter. Criteria: CeGaT Center For Human Genetics Tuebingen Variant Classification Criteria Version 2. Collection method: clinical testing. Allele origin: germline. Affected: yes. Observed: 1 variant allele.
Comment: LAMC3: BP4, BP7

Labcorp Genetics (formerly Invitae), Labcorp
Classification: Likely benign. Last evaluated: 2025-11-24. Review status: criteria provided, single submitter. Criteria: Invitae Variant Classification Sherloc (09022015). Collection method: clinical testing. Allele origin: germline.

Blueprint Genetics
Classification: Likely benign. Last evaluated: 2024-09-25. Review status: criteria provided, single submitter. Criteria: ACMG Guidelines, 2015. Collection method: clinical testing. Allele origin: germline.

GeneDx
Classification: Likely benign. Last evaluated: 2016-08-01. Review status: criteria provided, single submitter. Criteria: GeneDx Variant Classification (06012015). Collection method: clinical testing. Allele origin: germline. Affected: yes.
Comment: This variant is considered likely benign or benign based on one or more of the following criteria: it is a conservative change, it occurs at a poorly conserved position in the protein, it is predicted to be benign by multiple in silico algorithms, and/or has population frequency not consistent with disease.

Breakthrough Genomics
Classification: Likely benign. Review status: criteria provided, single submitter. Criteria: ACMG Guidelines, 2015. Collection method: not provided. Allele origin: germline. Inheritance: Autosomal recessive inheritance. Affected: yes.

PreventionGenetics, part of Exact Sciences
Classification: Likely benign for LAMC3-related condition. Last evaluated: 2019-03-01. Review status: no assertion criteria provided. Collection method: clinical testing. Allele origin: germline. Not counted in ClinVar's aggregate classification.
Comment: This variant is classified as likely benign based on ACMG/AMP sequence variant interpretation guidelines (Richards et al. 2015 PMID: 25741868, with internal and published modifications).